The following is an entry in ClinVar:

ClinVar aggregate classification (germline): Uncertain significance (1 of 4 stars; one submission).

Conditions:
Bethlem myopathy 1A. Also called: MYOPATHY, BENIGN CONGENITAL, WITH CONTRACTURES; Bethlem myopathy 1; Bethlem Muscular Dystrophy. Identifiers: Orphanet 610, MedGen CN029274, MONDO:0024530, OMIM 158810.

Allele frequency attached by ClinVar (database versions not stated): gnomAD exomes below 0.00001.
gnomAD v4.1: 3 of 1,597,810 alleles (0.00019%); highest among the groups gnomAD compares: Non-Finnish European, 0.00025%; no homozygotes.

Submission:

Labcorp Genetics (formerly Invitae), Labcorp
Classification: Uncertain significance for Bethlem myopathy 1A. Last evaluated: 2023-08-17. Review status: criteria provided, single submitter. Criteria: Invitae Variant Classification Sherloc (09022015). Collection method: clinical testing. Allele origin: germline.
Comment: In summary, the available evidence is currently insufficient to determine the role of this variant in disease. Therefore, it has been classified as a Variant of Uncertain Significance. Algorithms developed to predict the effect of sequence changes on RNA splicing suggest that this variant may create or strengthen a splice site. ClinVar contains an entry for this variant (Variation ID: 2019685). This variant has not been reported in the literature in individuals affected with COL6A1-related conditions. This variant is not present in population databases (gnomAD no frequency). This sequence change affects codon 243 of the COL6A1 mRNA. It is a 'silent' change, meaning that it does not change the encoded amino acid sequence of the COL6A1 protein.

NM_001848.3(COL6A1):c.729G>A (p.Val243=)

Gene: COL6A1 (collagen type VI alpha 1 chain; plus strand). Cytogenetic location: 21q22.3.
Variant type: single nucleotide variant.
Coding change: c.729G>A on transcript NM_001848.3 (MANE Select); coding-DNA position 729, G replaced by A.
Protein change: p.Val243=; no amino-acid change (valine 243 retained).
Molecular consequence: synonymous variant.
Genome position (GRCh38, 1-based): chr21:45,987,166, G>A. VCF-style: chr21-45987166-G-A. GRCh37 (hg19) VCF-style: chr21-47407080-G-A.
Identifiers: ClinVar variation 2019685 (VCV002019685.4), dbSNP rs2526316560, ClinGen allele CA512710231.